The following is an entry in ClinVar:

NM_001943.5(DSG2):c.418G>A (p.Glu140Lys)

Gene: DSG2 (desmoglein 2; plus strand). Cytogenetic location: 18q12.1.
Variant type: single nucleotide variant.
Coding change: c.418G>A on transcript NM_001943.5 (MANE Select); coding-DNA position 418, G replaced by A.
Protein change: p.Glu140Lys; replaces glutamic acid 140 with lysine.
Molecular consequence: missense variant.
Genome position (GRCh38, 1-based): chr18:31,521,138, G>A. VCF-style: chr18-31521138-G-A. GRCh37 (hg19) VCF-style: chr18-29101101-G-A.
Other names: short protein forms E140K.
Identifiers: ClinVar variation 3386572 (VCV003386572.2).

ClinVar aggregate classification (germline): Uncertain significance. Review status: criteria provided, multiple submitters, no conflicts (2 of 4 stars). 2 submissions from 2 submitters: Uncertain significance (2). Last evaluated 2024-06-03.

Conditions:
Arrhythmogenic right ventricular cardiomyopathy (ARVD). Also called: Arrhythmogenic cardiomyopathy; Cardiomyopathy, ARVC; Arrhythmogenic right ventricular dysplasia; Arrhythmogenic Right Ventricular Cardiomyopathy (ARVC). Identifiers: Orphanet 247, MedGen C0349788, MeSH D019571, MONDO:0016587. Disease mechanism: loss of function. Inheritance: Various modes of inheritance.

Submissions (2):

Blueprint Genetics
Classification: Uncertain significance. Last evaluated: 2024-06-03. Review status: criteria provided, single submitter. Criteria: ACMG Guidelines, 2015. Collection method: clinical testing. Allele origin: germline.

All of Us Research Program, National Institutes of Health
Classification: Uncertain significance for Arrhythmogenic right ventricular cardiomyopathy. Last evaluated: 2024-02-22. Review status: criteria provided, single submitter. Criteria: ACMG Guidelines, 2015. Collection method: clinical testing. Allele origin: germline. Inheritance: Autosomal dominant inheritance. Observed: 1 variant allele, 1 heterozygote.
Comment: This missense variant replaces glutamic acid with lysine at codon 140 of the DSG2 protein. Computational prediction is inconclusive regarding the impact of this variant on protein structure and function (internally defined REVEL score threshold 0.5 < inconclusive < 0.7, PMID: 27666373). To our knowledge, functional studies have not been reported for this variant. This variant has not been reported in individuals affected with DSG2-related disorders in the literature. This variant has not been identified in the general population by the Genome Aggregation Database (gnomAD). The available evidence is insufficient to determine the role of this variant in disease conclusively. Therefore, this variant is classified as a Variant of Uncertain Significance.

This study involves interpretation of variants in research participants for the purpose of population health screening. Participant phenotype was not available at the time of variant classification. Additional details can be found in publication PMID: 35346344, PMCID: PMC8962531